The following is an entry in ClinVar:

NM_021167.5(GATAD1):c.455G>A (p.Gly152Asp)

Gene: GATAD1 (GATA zinc finger domain containing 1; plus strand). Cytogenetic location: 7q21.2.
Variant type: single nucleotide variant.
Coding change: c.455G>A on transcript NM_021167.5 (MANE Select); coding-DNA position 455, G replaced by A.
Protein change: p.Gly152Asp; replaces glycine 152 with aspartic acid.
Molecular consequence: missense variant. On other transcripts: non-coding transcript variant (1).
Genome position (GRCh38, 1-based): chr7:92,454,521, G>A. VCF-style: chr7-92454521-G-A. GRCh37 (hg19) VCF-style: chr7-92083835-G-A.
Other names: short protein forms G152D.
Identifiers: ClinVar variation 5022244 (VCV005022244.1).
Genomic context (GRCh38, chr7:92,454,521, plus strand): 5'-ATTTTTATTTTCAATGTGGGATTATCTTCTGTTTCCCCCAGGGAGTATATTACCAAATTG[G>A]TGATGTTGTTTCTGTGATTGATGAACAAGATGGAAAGCCCTACTATGCTCAAATCAGAGG-3'
Protein context (NP_066990.3, residues 142-162): IFYKGVYYQI[Gly152Asp]DVVSVIDEQD

ClinVar aggregate classification (germline): Uncertain significance (1 of 4 stars; one submission).

Conditions:
Cardiovascular phenotype. Identifiers: MedGen CN230736.

Submission:

Ambry Genetics
Classification: Uncertain significance for Cardiovascular phenotype. Last evaluated: 2026-08-03. Review status: criteria provided, single submitter. Criteria: Ambry Variant Classification Scheme 2023. Collection method: clinical testing. Allele origin: germline.
Comment: The p.G152D variant (also known as c.455G>A), located in coding exon 4 of the GATAD1 gene, results from a G to A substitution at nucleotide position 455. The glycine at codon 152 is replaced by aspartic acid, an amino acid with similar properties. This amino acid position is conserved. In addition, this alteration is predicted to be deleterious by in silico analysis. Based on the available evidence, the clinical significance of this variant remains unclear.